The following is an entry in ClinVar:

ClinVar aggregate classification (germline): Uncertain significance (1 of 4 stars; one submission).

Submission:

GeneDx
Classification: Uncertain significance. Last evaluated: 2024-06-28. Review status: criteria provided, single submitter. Criteria: GeneDx Variant Classification Process June 2021. Collection method: clinical testing. Allele origin: germline. Affected: yes.
Comment: In frame deletion and insertion of 12 nucleotides resulting in three amino acid substitutions: Tyr519Cys, Ala520Val and Ser523Thr and two synonymous changes at codons 521 and 522; Has not been previously published as pathogenic or benign to our knowledge; PMS2 p.(Tyr519Cys), p.(Ala520Val) and p.(Ser523Thr) have been reported in individuals with colorectal cancer but p.(Tyr519Cys) and p.(Ala520Val) co-occurred with a pathogenic variant in PMS2 or another Lynch syndrome gene in two individuals (PMID: 26232782, 25980754, 27601186, 26845104, 31992580); Not observed at significant frequency in large population cohorts (gnomAD); In silico analysis indicates that this variant does not alter protein structure/function; This variant is associated with the following publications: (PMID: 17016615, 26976419, 24027009, 27601186, 25980754, 27930734, 26232782, 22290698, 20186688, 28912153, 24728327, 26845104, 31992580)

NM_000535.7(PMS2):c.1556_1567delinsGTGTGGCCAGCA (p.Tyr519_Ser523delinsCysValAlaSerThr)

Gene: PMS2 (PMS1 homolog 2, mismatch repair system component; minus strand). Cytogenetic location: 7p22.1.
Variant type: Indel.
Coding change: c.1556_1567delinsGTGTGGCCAGCA on transcript NM_000535.7 (MANE Select); coding-DNA positions 1556 to 1567, ATGCGGCCAGCT replaced by GTGTGGCCAGCA.
Protein change: p.Tyr519_Ser523delinsCysValAlaSerThr.
Molecular consequence: missense variant. On other transcripts: non-coding transcript variant (1).
Genome position (GRCh38, 1-based): chr7:5,987,198-5,987,209, AGCTGGCCGCAT replaced by TGCTGGCCACAC on the plus strand (ATGCGGCCAGCT replaced by GTGTGGCCAGCA on the coding strand, the reverse complement: PMS2 is on the minus strand). VCF-style: chr7-5987198-AGCTGGCCGCAT-TGCTGGCCACAC. GRCh37 (hg19) VCF-style: chr7-6026829-AGCTGGCCGCAT-TGCTGGCCACAC.
Other names: c.1556_1567delATGCGGCCAGCTinsGTGTGGCCAGCA (NM_000535.5); c.1151_1162delinsGTGTGGCCAGCA, p.Tyr384_Ser388delinsCysValAlaSerThr (NM_001322003.2, NM_001322004.2, NM_001322005.2 and 1 more transcripts); c.1400_1411delinsGTGTGGCCAGCA, p.Tyr467_Ser471delinsCysValAlaSerThr (NM_001322006.2); c.1238_1249delinsGTGTGGCCAGCA, p.Tyr413_Ser417delinsCysValAlaSerThr (NM_001322007.2, NM_001322008.2); c.995_1006delinsGTGTGGCCAGCA, p.Tyr332_Ser336delinsCysValAlaSerThr (NM_001322010.2); c.623_634delinsGTGTGGCCAGCA, p.Tyr208_Ser212delinsCysValAlaSerThr (NM_001322011.2, NM_001322012.2); c.983_994delinsGTGTGGCCAGCA, p.Tyr328_Ser332delinsCysValAlaSerThr (NM_001322013.2); c.1556_1567delinsGTGTGGCCAGCA, p.Tyr519_Ser523delinsCysValAlaSerThr (NM_001322014.2); and 1 more.
Identifiers: ClinVar variation 418418 (VCV000418418.5), dbSNP rs1554297549, ClinGen allele CA16618506.